The following is an entry in ClinVar:

ClinVar aggregate classification (germline): Conflicting classifications of pathogenicity. Review status: criteria provided, conflicting classifications (1 of 4 stars). 2 submissions from 2 submitters: Uncertain significance (1); Likely benign (1). Last evaluated 2026-04-01.

Allele frequency attached by ClinVar (database versions not stated): gnomAD 0.00011; ExAC 0.00014; ESP Exome Variant Server 0.00031.
gnomAD v4.1: 465 of 1,606,870 alleles (0.029%); highest among the groups gnomAD compares: Non-Finnish European, 0.039%; 1 homozygote.

Submissions (2):

CeGaT Center for Human Genetics Tuebingen
Classification: Likely benign. Last evaluated: 2026-04-01. Review status: criteria provided, single submitter. Criteria: CeGaT Center For Human Genetics Tuebingen Variant Classification Criteria Version 2. Collection method: clinical testing. Allele origin: germline. Affected: yes. Observed: 1 variant allele.
Comment: RUNX2: PP3, BS1

Labcorp Genetics (formerly Invitae), Labcorp
Classification: Uncertain significance. Last evaluated: 2025-01-29. Review status: criteria provided, single submitter. Criteria: Invitae Variant Classification Sherloc (09022015). Collection method: clinical testing. Allele origin: germline.
Comment: This sequence change replaces asparagine, which is neutral and polar, with isoleucine, which is neutral and non-polar, at codon 99 of the RUNX2 protein (p.Asn99Ile). This variant is present in population databases (rs150962268, gnomAD 0.02%), including at least one homozygous and/or hemizygous individual. This variant has not been reported in the literature in individuals affected with RUNX2-related conditions. ClinVar contains an entry for this variant (Variation ID: 2721882). Invitae Evidence Modeling of protein sequence and biophysical properties (such as structural, functional, and spatial information, amino acid conservation, physicochemical variation, residue mobility, and thermodynamic stability) indicates that this missense variant is not expected to disrupt RUNX2 protein function with a negative predictive value of 80%. In summary, the available evidence is currently insufficient to determine the role of this variant in disease. Therefore, it has been classified as a Variant of Uncertain Significance.

NM_001024630.4(RUNX2):c.296A>T (p.Asn99Ile)

Gene: RUNX2 (RUNX family transcription factor 2; plus strand). Cytogenetic location: 6p21.1.
Variant type: single nucleotide variant.
Coding change: c.296A>T on transcript NM_001024630.4 (MANE Select); coding-DNA position 296, A replaced by T.
Protein change: p.Asn99Ile; replaces asparagine 99 with isoleucine.
Molecular consequence: missense variant.
Genome position (GRCh38, 1-based): chr6:45,422,830, A>T. VCF-style: chr6-45422830-A-T. GRCh37 (hg19) VCF-style: chr6-45390567-A-T.
Other names: c.254A>T, p.Asn85Ile (NM_001278478.2, NM_001369405.1, NM_004348.3); c.296A>T, p.Asn99Ile (NM_001015051.4); short protein forms N99I, N85I.
Identifiers: ClinVar variation 2721882 (VCV002721882.5), dbSNP rs150962268, ClinGen allele CA3836365.